The following is an entry in ClinVar:

NM_001012339.3(DNAJC21):c.615G>C (p.Gln205His)

Gene: DNAJC21 (DnaJ heat shock protein family (Hsp40) member C21; plus strand). Cytogenetic location: 5p13.2.
Variant type: single nucleotide variant.
Coding change: c.615G>C on transcript NM_001012339.3 (MANE Select); coding-DNA position 615, G replaced by C.
Protein change: p.Gln205His; replaces glutamine 205 with histidine.
Molecular consequence: missense variant.
Genome position (GRCh38, 1-based): chr5:34,937,502, G>C. VCF-style: chr5-34937502-G-C. GRCh37 (hg19) VCF-style: chr5-34937607-G-C.
Other names: c.615G>C, p.Gln205His (NM_001348420.2, NM_194283.4); short protein forms Q205H.
Identifiers: ClinVar variation 1401546 (VCV001401546.5), dbSNP rs1339210844, ClinGen allele CA359415254.

ClinVar aggregate classification (germline): Uncertain significance (1 of 4 stars; one submission).

gnomAD v4.1: 3 of 1,614,180 alleles (0.00019%); highest among the groups gnomAD compares: Non-Finnish European, 0.00025%; no homozygotes.

Submission:

Labcorp Genetics (formerly Invitae), Labcorp
Classification: Uncertain significance. Last evaluated: 2021-08-26. Review status: criteria provided, single submitter. Criteria: Invitae Variant Classification Sherloc (09022015). Collection method: clinical testing. Allele origin: germline.
Comment: This sequence change replaces glutamine with histidine at codon 205 of the DNAJC21 protein (p.Gln205His). The glutamine residue is moderately conserved and there is a small physicochemical difference between glutamine and histidine. This variant is not present in population databases (ExAC no frequency). This variant has not been reported in the literature in individuals affected with DNAJC21-related conditions. Algorithms developed to predict the effect of missense changes on protein structure and function are either unavailable or do not agree on the potential impact of this missense change (SIFT: "Tolerated"; PolyPhen-2: "Possibly Damaging"; Align-GVGD: "Class C0"). In summary, the available evidence is currently insufficient to determine the role of this variant in disease. Therefore, it has been classified as a Variant of Uncertain Significance.